The following is an entry in ClinVar:

NM_001270974.2(HYDIN):c.4399T>G (p.Phe1467Val)

Gene: HYDIN (HYDIN axonemal central pair apparatus protein; minus strand). Cytogenetic location: 16q22.2.
Variant type: single nucleotide variant.
Coding change: c.4399T>G on transcript NM_001270974.2 (MANE Select); coding-DNA position 4399, T replaced by G.
Protein change: p.Phe1467Val; replaces phenylalanine 1467 with valine.
Molecular consequence: missense variant.
Genome position (GRCh38, 1-based): chr16:70,981,502, A>C on the plus strand (T>G on the coding strand, the complement: HYDIN is on the minus strand). VCF-style: chr16-70981502-A-C. GRCh37 (hg19) VCF-style: chr16-71015405-A-C.
Other names: short protein forms F1467V.
Identifiers: ClinVar variation 3375857 (VCV003375857.1).

ClinVar aggregate classification (germline): Uncertain significance (1 of 4 stars; one submission).

Submission:

GeneDx
Classification: Uncertain significance. Last evaluated: 2024-05-06. Review status: criteria provided, single submitter. Criteria: GeneDx Variant Classification Process June 2021. Collection method: clinical testing. Allele origin: germline. Affected: yes.
Comment: Not observed at significant frequency in large population cohorts (gnomAD); In silico analysis supports that this missense variant has a deleterious effect on protein structure/function; Has not been previously published as pathogenic or benign to our knowledge